The following is an entry in ClinVar:

NM_001378457.1(DMXL2):c.67G>A (p.Val23Ile)

Gene: DMXL2 (Dmx like 2; minus strand). Cytogenetic location: 15q21.2.
Variant type: single nucleotide variant.
Coding change: c.67G>A on transcript NM_001378457.1 (MANE Select); coding-DNA position 67, G replaced by A.
Protein change: p.Val23Ile; replaces valine 23 with isoleucine.
Molecular consequence: missense variant. On other transcripts: non-coding transcript variant (2).
Genome position (GRCh38, 1-based): chr15:51,622,479, C>T on the plus strand (G>A on the coding strand, the complement: DMXL2 is on the minus strand). VCF-style: chr15-51622479-C-T. GRCh37 (hg19) VCF-style: chr15-51914676-C-T.
Other names: c.67G>A, p.Val23Ile (NM_001174116.3, NM_001174117.3, NM_001378458.1 and 7 more transcripts); short protein forms V23I.
Identifiers: ClinVar variation 1414347 (VCV001414347.5), dbSNP rs1331994383, ClinGen allele CA392755392.
Genomic context (GRCh38, chr15:51,622,479, plus strand): 5'-CCCCTGGTATCTTCCCCTAGGGCTCCCGGCCGCCGCTCACCGTGAAGGGGACATCCCCGA[C>T]GCTGCCCACGGAGTAGCAGTTGTCTCCAGGGTTGACAGCTCCGGTGAGGACCTGATGCAG-3'
Protein context (NP_001365386.1, residues 13-33): PGDNCYSVGS[Val23Ile]GDVPFTAYGS

ClinVar aggregate classification (germline): Uncertain significance (1 of 4 stars; one submission).

Submission:

Labcorp Genetics (formerly Invitae), Labcorp
Classification: Uncertain significance. Last evaluated: 2021-08-31. Review status: criteria provided, single submitter. Criteria: Invitae Variant Classification Sherloc (09022015). Collection method: clinical testing. Allele origin: germline.
Comment: This sequence change replaces valine with isoleucine at codon 23 of the DMXL2 protein (p.Val23Ile). The valine residue is moderately conserved and there is a small physicochemical difference between valine and isoleucine. This variant is not present in population databases (ExAC no frequency). This variant has not been reported in the literature in individuals affected with DMXL2-related conditions. Algorithms developed to predict the effect of missense changes on protein structure and function (SIFT, PolyPhen-2, Align-GVGD) all suggest that this variant is likely to be tolerated. In summary, the available evidence is currently insufficient to determine the role of this variant in disease. Therefore, it has been classified as a Variant of Uncertain Significance.